The following is an entry in ClinVar:

ClinVar aggregate classification (germline): Conflicting classifications of pathogenicity. Review status: criteria provided, conflicting classifications (1 of 4 stars). 7 submissions from 7 submitters: Uncertain significance (5); Benign (1); Likely benign (1). Last evaluated 2025-12-09.

Conditions:
Hereditary breast ovarian cancer syndrome. Also called: Hereditary breast and ovarian cancer syndrome (HBOC); BRCA1- and BRCA2-Associated Hereditary Breast and Ovarian Cancer; Hereditary breast and/or ovarian cancer syndrome; Hereditary breast and ovarian cancer syndrome; Hereditary breast and ovarian cancer; Breast and ovarian cancer. Identifiers: Orphanet 145, MedGen C0677776, MeSH D061325, MONDO:0003582. Disease mechanism: loss of function.
Hereditary cancer-predisposing syndrome. Also called: Neoplastic Syndromes, Hereditary; Hereditary neoplastic syndrome; Tumor predisposition; Hereditary Cancer Syndrome. Identifiers: Orphanet 140162, MedGen C0027672, MeSH D009386, MONDO:0015356.
Breast-ovarian cancer, familial, susceptibility to, 1 (BROVCA1). Also called: BRCA1 Hereditary Breast and Ovarian Cancer; OVARIAN CANCER, SUSCEPTIBILITY TO. Identifiers: Orphanet 145, MedGen C2676676, MONDO:0011450, OMIM 604370. Disease mechanism: loss of function.
Familial cancer of breast. Also called: hereditary breast carcinoma; BREAST CANCER, FAMILIAL; Hereditary breast cancer. Identifiers: Orphanet 227535, MedGen C0346153, MONDO:0016419, OMIM 114480. Disease mechanism: loss of function.

Allele frequency attached by ClinVar (database versions not stated): ExAC 0.00002.
gnomAD v4.1: 28 of 1,611,504 alleles (0.0017%); highest among the groups gnomAD compares: South Asian, 0.031%; 1 homozygote.

Submissions (7):

Ambry Genetics
Classification: Uncertain significance for Hereditary cancer-predisposing syndrome. Last evaluated: 2025-12-09. Review status: criteria provided, single submitter. Criteria: Ambry Variant Classification Scheme 2023. Collection method: clinical testing. Allele origin: germline.

Labcorp Genetics (formerly Invitae), Labcorp
Classification: Uncertain significance for Hereditary breast ovarian cancer syndrome. Last evaluated: 2024-03-19. Review status: criteria provided, single submitter. Criteria: Invitae Variant Classification Sherloc (09022015). Collection method: clinical testing. Allele origin: germline.
Comment: This sequence change replaces asparagine, which is neutral and polar, with lysine, which is basic and polar, at codon 268 of the BRCA1 protein (p.Asn268Lys). This variant is present in population databases (rs771076131, gnomAD 0.01%). This missense change has been observed in individual(s) with breast and ovarian cancer (PMID: 26306726, 29020660). ClinVar contains an entry for this variant (Variation ID: 441285). Advanced modeling of protein sequence and biophysical properties (such as structural, functional, and spatial information, amino acid conservation, physicochemical variation, residue mobility, and thermodynamic stability) performed at Invitae indicates that this missense variant is not expected to disrupt BRCA1 protein function with a negative predictive value of 95%. Experimental studies have shown that this missense change does not substantially affect BRCA1 function (PMID: 32546644). In summary, the available evidence is currently insufficient to determine the role of this variant in disease. Therefore, it has been classified as a Variant of Uncertain Significance.

MGZ Medical Genetics Center
Classification: Benign for Familial cancer of breast. Last evaluated: 2024-02-09. Review status: criteria provided, single submitter. Criteria: CSpec BRCA1/2ACMG Rules Specifications V1.1.0. Collection method: clinical testing. Allele origin: germline. Affected: yes.
Comment: ACMG codes applied following ENIGMA VCEP rules: BP1_STR, BS3

KCCC/NGS Laboratory, Kuwait Cancer Control Center
Classification: Uncertain significance for Breast-ovarian cancer, familial, susceptibility to, 1. Last evaluated: 2023-05-15. Review status: criteria provided, single submitter. Criteria: ACMG Guidelines, 2015. Collection method: clinical testing. Allele origin: germline. Inheritance: Autosomal dominant inheritance. Affected: yes. Observed: 1 heterozygote.
Comment: a variant of uncertain significance was detected in the BRCA1 gene (c.804C>G). This sequence change replaces asparagine, which is neutral and polar, with lysine, which is basic and polar, at codon 268 of the BRCA1 protein (p.Asn268Lys). This variant is present in population databases (rs771076131, gnomAD 0.01%). This missense change has been observed in individual(s) with breast and ovarian cancer (PMID: 26306726, 29020660). ClinVar contains an entry for this variant (Variation ID: 441285). This amino acid position is not well conserved ( PhyloP=2.65) . In addition, this alteration is predicted to be tolerated by in silico analysis. In summary, the available evidence is currently insufficient to determine the role of this variant in disease. Therefore, it has been classified as a Variant of Uncertain Significance.

University of Washington Department of Laboratory Medicine, University of Washington
Classification: Likely benign for Hereditary cancer-predisposing syndrome. Last evaluated: 2023-03-23. Review status: criteria provided, single submitter. Criteria: Dines et al. (Genet Med. 2020). Collection method: curation. Allele origin: germline.
Comment: Missense variant in a coldspot region where missense variants are very unlikely to be pathogenic (PMID:31911673).

BRCA1 coldspot (exon 11 using historical exon numbering). Reclassification based on statistical prior probability

Quest Diagnostics Nichols Institute San Juan Capistrano
Classification: Uncertain significance. Last evaluated: 2022-11-01. Review status: criteria provided, single submitter. Criteria: Quest Diagnostics criteria. Collection method: clinical testing. Allele origin: unknown.
Comment: The frequency of this variant in the general population, 0.000099 (3/30418 chromosomes), is uninformative in assessment of its pathogenicity. In the published literature, the variant has been reported in an individual with ovarian cancer (PMID: 26306726 (2015)). Analysis of this variant using bioinformatics tools for the prediction of the effect of amino acid changes on protein structure and function yielded predictions that this variant is damaging. Based on the available information, we are unable to determine the clinical significance of this variant.

Color Diagnostics, LLC DBA Color Health
Classification: Uncertain significance for Hereditary cancer-predisposing syndrome. Last evaluated: 2019-04-23. Review status: criteria provided, single submitter. Criteria: ACMG Guidelines, 2015. Collection method: clinical testing. Allele origin: germline.

Literature cited by the submitters: PubMed 26306726 (cited by Labcorp Genetics (formerly Invitae), Labcorp and Quest Diagnostics Nichols Institute San Juan Capistrano); PubMed 29020660 (cited by Labcorp Genetics (formerly Invitae), Labcorp); PubMed 32546644 (cited by Labcorp Genetics (formerly Invitae), Labcorp).

NM_007294.4(BRCA1):c.804C>G (p.Asn268Lys)

Gene: BRCA1 (BRCA1 DNA repair associated; minus strand). Cytogenetic location: 17q21.31.
Variant type: single nucleotide variant.
Coding change: c.804C>G on transcript NM_007294.4 (MANE Select); coding-DNA position 804, C replaced by G.
Protein change: p.Asn268Lys; replaces asparagine 268 with lysine.
Molecular consequence: missense variant. On other transcripts: 5 prime UTR variant (2), intron variant (137).
Genome position (GRCh38, 1-based): chr17:43,094,727, G>C on the plus strand (C>G on the coding strand, the complement: BRCA1 is on the minus strand). VCF-style: chr17-43094727-G-C. GRCh37 (hg19) VCF-style: chr17-41246744-G-C.
Other names: c.804C>G (NM_007300.3); c.804C>G, p.Asn268Lys (NM_001407598.1, NM_001407602.1, NM_001407603.1 and 30 more transcripts); c.801C>G, p.Asn267Lys (NM_001407610.1, NM_001407611.1, NM_001407612.1 and 22 more transcripts); c.795C>G, p.Asn265Lys (NM_001407646.1, NM_001407647.1); c.681C>G, p.Asn227Lys (NM_001407648.1, NM_001407666.1, NM_001407667.1 and 19 more transcripts); c.678C>G, p.Asn226Lys (NM_001407649.1, NM_001407670.1, NM_001407671.1 and 11 more transcripts); c.726C>G, p.Asn242Lys (NM_001407653.1, NM_001407654.1, NM_001407655.1 and 4 more transcripts); c.663C>G, p.Asn221Lys (NM_001407692.1, NM_001407694.1, NM_001407695.1 and 29 more transcripts); and 41 more; short protein forms N268K, N221K, N100K, N140K, N157K, N198K, N265K, N197K.
Identifiers: ClinVar variation 441285 (VCV000441285.26), dbSNP rs771076131, ClinGen allele CA056741.